The following is an entry in ClinVar:

NM_000257.4(MYH7):c.2678C>A (p.Ala893Glu)

Genes: MYH7 (myosin heavy chain 7; minus strand), LOC126861898 (BRD4-independent group 4 enhancer GRCh37_chr14:23893609-23894808; plus strand). Cytogenetic location: 14q11.2.
Variant type: single nucleotide variant.
Coding change: c.2678C>A on transcript NM_000257.4 (MANE Select); coding-DNA position 2678, C replaced by A.
Protein change: p.Ala893Glu; replaces alanine 893 with glutamic acid.
Molecular consequence: missense variant.
Genome position (GRCh38, 1-based): chr14:23,424,770, G>T on the plus strand (C>A on the coding strand, the complement: MYH7 is on the minus strand). VCF-style: chr14-23424770-G-T. GRCh37 (hg19) VCF-style: chr14-23893979-G-T.
Other names: NM_000257.4(MYH7):c.2678C>A; short protein forms A893E.
Identifiers: ClinVar variation 164319 (VCV000164319.18), dbSNP rs727503254, ClinGen allele CA012807.

ClinVar aggregate classification (germline): Uncertain significance. Review status: reviewed by expert panel (3 of 4 stars). 5 submissions from 5 submitters: Uncertain significance (1). 4 of the submissions do not count toward it. Last evaluated 2021-03-10.

Conditions:
Hypertrophic cardiomyopathy. Also called: HYPERTROPHIC MYOCARDIOPATHY. Identifiers: Orphanet 217569, MedGen C0007194, MeSH D002312, MONDO:0005045, HP:0001639.
Cardiovascular phenotype. Identifiers: MedGen CN230736.
MYH7-related disorder. Also called: MYH7-related condition; MYH7-related disease; MYH7-related disorders.

Submissions (5):

ClinGen Cardiomyopathy Variant Curation Expert Panel
Classification: Uncertain significance for Hypertrophic cardiomyopathy. Last evaluated: 2021-03-10. Review status: reviewed by expert panel. Criteria: ClinGen CMP ACMG Specifications v1. Collection method: curation. Allele origin: germline. Inheritance: Autosomal dominant inheritance.
Comment: The NM_000257.4(MYH7):c.2678C>A (p.Ala893Glu) variant has been reported in 3 individuals with HCM (PS4_Supporting; GeneDx pers. comm.; Invitae pers. comm.; LMM pers. comm.) and segregated with HCM in 2 relatives from 2 families (GeneDx pers. comm.; LMM pers. comm.); however, this data is currently insufficient to establish co-segregation with disease and apply PP1. This variant was absent from large population studies (PM2; gnomAD v2.1.1). This variant lies in the head region of the protein (aa 181-937) and missense variants in this region are statistically more likely to be associated with HCM (PM1; Walsh 2017 PMID:27532257). Computational prediction tools and conservation analysis were mixed about the potential impact of this variant. In summary, due to insufficient evidence, this variant is classified as uncertain significance for hypertrophic cardiomyopathy in an autosomal dominant manner. MYH7-specific ACMG/AMP criteria applied (Kelly 2018 PMID:29300372): PS4_Supporting, PM2, PM1.

Labcorp Genetics (formerly Invitae), Labcorp
Classification: Uncertain significance for Hypertrophic cardiomyopathy. Last evaluated: 2025-09-25. Review status: criteria provided, single submitter. Criteria: Invitae Variant Classification Sherloc (09022015). Collection method: clinical testing. Allele origin: germline. Not counted in ClinVar's aggregate classification.
Comment: This sequence change replaces alanine, which is neutral and non-polar, with glutamic acid, which is acidic and polar, at codon 893 of the MYH7 protein (p.Ala893Glu). This variant is not present in population databases (gnomAD no frequency). This missense change has been observed in individuals with hypertrophic cardiomyopathy (PMID: 31737537; internal data). ClinVar contains an entry for this variant (Variation ID: 164319). An algorithm developed to predict the effect of missense changes on protein structure and function (PolyPhen-2) suggests that this variant is likely to be disruptive. This variant disrupts the p.Ala893 amino acid residue in MYH7. Other variant(s) that disrupt this residue have been determined to be pathogenic (PMID: 22464770, 23054336, 27532257, 29300372, 29447731, 34935411; internal data). This suggests that this residue is clinically significant, and that variants that disrupt this residue are likely to be disease-causing. In summary, the available evidence is currently insufficient to determine the role of this variant in disease. Therefore, it has been classified as a Variant of Uncertain Significance.

Ambry Genetics
Classification: Uncertain significance for Cardiovascular phenotype. Last evaluated: 2025-06-10. Review status: criteria provided, single submitter. Criteria: Ambry Variant Classification Scheme 2023. Collection method: clinical testing. Allele origin: germline. Not counted in ClinVar's aggregate classification.
Comment: The p.A893E variant (also known as c.2678C>A), located in coding exon 20 of the MYH7 gene, results from a C to A substitution at nucleotide position 2678. The alanine at codon 893 is replaced by glutamic acid, an amino acid with dissimilar properties. This alteration is located in the myosin head domain, which contains a statistically significant clustering of pathogenic missense variants (Homburger JR et al. Proc Natl Acad Sci U S A, 2016 06;113:6701-6; Walsh R et al. Genet Med, 2017 02;19:192-203; Ambry internal data). This variant was reported in individual(s) with features consistent with MYH7-related cardiomyopathy (Ware SM et al. Am J Hum Genet, 2022 Feb;109:282-298; Harper AR et al. Nat Genet, 2021 Feb;53:135-142; Hirono K et al. J Am Heart Assoc, 2024 Nov;13:e035614; external communication). This amino acid position is well conserved in available vertebrate species. In addition, the in silico prediction for this alteration is inconclusive. Based on the available evidence, the clinical significance of this variant remains unclear.

Blueprint Genetics
Classification: Likely pathogenic for MYH7-related disorders. Last evaluated: 2020-10-05. Review status: criteria provided, single submitter. Criteria: ACMG Guidelines, 2015. Collection method: clinical testing. Allele origin: germline. Affected: yes. Observed: 2 variant alleles. Not counted in ClinVar's aggregate classification.

Laboratory for Molecular Medicine, Mass General Brigham Personalized Medicine
Classification: Uncertain significance. Last evaluated: 2015-06-10. Review status: criteria provided, single submitter. Criteria: LMM Criteria. Collection method: clinical testing. Allele origin: germline. Observed: 2 variant alleles. Not counted in ClinVar's aggregate classification.
Comment: It was absent from large population studies; however, it is listed in dbSNP w ith no frequency data (rs727503254). Alanine (Ala) at position 893 is not conser ved in mammals or evolutionarily distant species and the change to glutamic acid (Glu) was predicted to be benign using a computational tool clinically validate d by our laboratory. This tool's benign prediction is estimated to be correct 89 % of the time (Jordan 2011). This variant is located in the last three bases of the exon, which is part of the 5' splice region. Computational tools do not sugg est an impact to splicing; however, this information is not predictive enough to rule out pathogenicity. In summary, the clinical significance of the p.Ala893G lu variant is uncertain.

Literature cited by the submitters: PubMed 31737537 (cited by Labcorp Genetics (formerly Invitae), Labcorp); PubMed 22464770 (cited by Labcorp Genetics (formerly Invitae), Labcorp); PubMed 23054336 (cited by Labcorp Genetics (formerly Invitae), Labcorp); PubMed 27532257 (cited by Labcorp Genetics (formerly Invitae), Labcorp); PubMed 29300372 (cited by Labcorp Genetics (formerly Invitae), Labcorp); PubMed 29447731 (cited by Labcorp Genetics (formerly Invitae), Labcorp); PubMed 34935411 (cited by Labcorp Genetics (formerly Invitae), Labcorp); PubMed 33495597 (cited by Ambry Genetics); PubMed 35026164 (cited by Ambry Genetics); PubMed 39494597 (cited by Ambry Genetics).